The following is an entry in ClinVar:

ClinVar aggregate classification (germline): Uncertain significance. Review status: criteria provided, multiple submitters, no conflicts (2 of 4 stars). 2 submissions from 2 submitters: Uncertain significance (2). Last evaluated 2022-09-28.

Conditions:
Inborn genetic diseases. Identifiers: MedGen C0950123, MeSH D030342.
Primary ciliary dyskinesia 27. Also called: CILIARY DYSKINESIA, PRIMARY, 27, WITHOUT SITUS INVERSUS. Identifiers: Orphanet 244, MedGen C3809701, MONDO:0014215, OMIM 615504.

Allele frequency attached by ClinVar (database versions not stated): ExAC 0.00001; gnomAD 0.00001; gnomAD exomes 0.00001; TOPMed 0.00001.
gnomAD v4.1: 18 of 1,613,934 alleles (0.0011%); highest among the groups gnomAD compares: Non-Finnish European, 0.0015%; no homozygotes.

Submissions (2):

Labcorp Genetics (formerly Invitae), Labcorp
Classification: Uncertain significance for Primary ciliary dyskinesia 27. Last evaluated: 2022-09-28. Review status: criteria provided, single submitter. Criteria: Invitae Variant Classification Sherloc (09022015). Collection method: clinical testing. Allele origin: germline.
Comment: This variant is present in population databases (rs748539769, gnomAD 0.004%). This sequence change replaces arginine, which is basic and polar, with glutamine, which is neutral and polar, at codon 315 of the CCDC65 protein (p.Arg315Gln). In summary, the available evidence is currently insufficient to determine the role of this variant in disease. Therefore, it has been classified as a Variant of Uncertain Significance. Algorithms developed to predict the effect of missense changes on protein structure and function (SIFT, PolyPhen-2, Align-GVGD) all suggest that this variant is likely to be tolerated. This variant has not been reported in the literature in individuals affected with CCDC65-related conditions.

Ambry Genetics
Classification: Uncertain significance for Inborn genetic diseases. Last evaluated: 2021-08-02. Review status: criteria provided, single submitter. Criteria: Ambry Variant Classification Scheme 2023. Collection method: clinical testing. Allele origin: germline.

NM_033124.5(DRC2):c.944G>A (p.Arg315Gln)

Gene: DRC2 (dynein regulatory complex subunit 2; plus strand). Cytogenetic location: 12q13.12.
Variant type: single nucleotide variant.
Coding change: c.944G>A on transcript NM_033124.5 (MANE Select); coding-DNA position 944, G replaced by A.
Protein change: p.Arg315Gln; replaces arginine 315 with glutamine.
Molecular consequence: missense variant.
Genome position (GRCh38, 1-based): chr12:48,918,821, G>A. VCF-style: chr12-48918821-G-A. GRCh37 (hg19) VCF-style: chr12-49312604-G-A.
Other names: c.515G>A, p.Arg172Gln (NM_001286957.2); short protein forms R172Q, R315Q.
Identifiers: ClinVar variation 1948788 (VCV001948788.6), dbSNP rs748539769, ClinGen allele CA6543383.